The following is an entry in ClinVar:

NM_006440.5(TXNRD2):c.403del (p.His135fs)

Gene: TXNRD2 (thioredoxin reductase 2; minus strand). Cytogenetic location: 22q11.21.
Variant type: Deletion.
Coding change: c.403del on transcript NM_006440.5 (MANE Select); coding-DNA position 403, one base deleted (C; older notation c.403delC).
Protein change: p.His135fs; shifts the reading frame from histidine 135.
Molecular consequence: frameshift variant. On other transcripts: non-coding transcript variant (1).
Genome position (GRCh38, 1-based): chr22:19,918,189, G deleted on the plus strand (C on the coding strand, the reverse complement: TXNRD2 is on the minus strand). VCF-style (leftmost placement, unchanged base first): chr22-19918188-TG-T. GRCh37 (hg19) VCF-style: chr22-19905711-TG-T.
Other names: c.403del, p.His135fs (NM_001282512.3); c.400del, p.His134fs (NM_001352300.2); c.313del, p.His105fs (NM_001352301.2); c.115del, p.His39fs (NM_001352302.2); c.307del, p.His103fs (NM_001352303.2); short protein forms H135fs, H103fs, H134fs, H39fs, H105fs.
Identifiers: ClinVar variation 944745 (VCV000944745.10), dbSNP rs1940723314, ClinGen allele CA1139666947.

ClinVar aggregate classification (germline): Uncertain significance (1 of 4 stars; one submission).

Conditions:
Primary dilated cardiomyopathy (DCM). Also called: Dilated Cardiomyopathy. Identifiers: Orphanet 217604, MedGen C0007193, MeSH D002311, MONDO:0005021, HP:0001644. Inheritance: Various modes of inheritance.

Submission:

Labcorp Genetics (formerly Invitae), Labcorp
Classification: Uncertain significance for Primary dilated cardiomyopathy. Last evaluated: 2023-07-25. Review status: criteria provided, single submitter. Criteria: Invitae Variant Classification Sherloc (09022015). Collection method: clinical testing. Allele origin: germline.
Comment: ClinVar contains an entry for this variant (Variation ID: 944745). This variant has not been reported in the literature in individuals affected with TXNRD2-related conditions. This variant is not present in population databases (gnomAD no frequency). This sequence change creates a premature translational stop signal (p.His135Thrfs*2) in the TXNRD2 gene. It is expected to result in an absent or disrupted protein product. However, the current clinical and genetic evidence is not sufficient to establish whether loss-of-function variants in TXNRD2 cause disease. In summary, the available evidence is currently insufficient to determine the role of this variant in disease. Therefore, it has been classified as a Variant of Uncertain Significance.